The following is an entry in ClinVar:

ClinVar aggregate classification (germline): Uncertain significance (1 of 4 stars; one submission).

Conditions:
Psoriasis 2. Identifiers: MedGen C1864497, MONDO:0011269, OMIM 602723.
Pityriasis rubra pilaris (PRP). Also called: Pityriasis rubra pilaris--familial type. Identifiers: Orphanet 2897, MedGen C0032027, MONDO:0100017, OMIM 173200, MONDO:0008251.

Submission:

Labcorp Genetics (formerly Invitae), Labcorp
Classification: Uncertain significance for Pityriasis rubra pilaris; Psoriasis 2. Last evaluated: 2021-12-23. Review status: criteria provided, single submitter. Criteria: Invitae Variant Classification Sherloc (09022015). Collection method: clinical testing. Allele origin: germline.
Comment: In summary, the available evidence is currently insufficient to determine the role of this variant in disease. Therefore, it has been classified as a Variant of Uncertain Significance. Variants that disrupt the consensus splice site are a relatively common cause of aberrant splicing (PMID: 17576681, 9536098). Algorithms developed to predict the effect of sequence changes on RNA splicing suggest that this variant may disrupt the consensus splice site. This variant has not been reported in the literature in individuals affected with CARD14-related conditions. This variant is not present in population databases (gnomAD no frequency). This sequence change falls in intron 7 of the CARD14 gene. It does not directly change the encoded amino acid sequence of the CARD14 protein. It affects a nucleotide within the consensus splice site.

Literature cited by the submitters: PubMed 17576681; PubMed 9536098.

NM_001366385.1(CARD14):c.1089+3A>G

Gene: CARD14 (caspase recruitment domain family member 14; plus strand). Cytogenetic location: 17q25.3.
Variant type: single nucleotide variant.
Coding change: c.1089+3A>G on transcript NM_001366385.1 (MANE Select); 3 bases into the intron after coding-DNA position 1089, A replaced by G.
Molecular consequence: intron variant.
Genome position (GRCh38, 1-based): chr17:80,190,902, A>G. VCF-style: chr17-80190902-A-G. GRCh37 (hg19) VCF-style: chr17-78164701-A-G.
Other names: c.1089+3A>G (NM_024110.4, NM_001257970.1); c.378+3A>G (NM_052819.3).
Identifiers: ClinVar variation 2055934 (VCV002055934.4), dbSNP rs2510638263, ClinGen allele CA2580095292.